The following is an entry in ClinVar:

ClinVar aggregate classification (germline): Uncertain significance (1 of 4 stars; one submission).

Submission:

GeneDx
Classification: Uncertain significance. Last evaluated: 2024-01-24. Review status: criteria provided, single submitter. Criteria: GeneDx Variant Classification Process June 2021. Collection method: clinical testing. Allele origin: germline. Affected: yes.
Comment: Not observed at significant frequency in large population cohorts (gnomAD); In silico analysis supports that this missense variant has a deleterious effect on protein structure/function; Has not been previously published as pathogenic or benign to our knowledge

NM_013450.4(BAZ2B):c.179T>C (p.Phe60Ser)

Gene: BAZ2B (bromodomain adjacent to zinc finger domain 2B; minus strand). Cytogenetic location: 2q24.2.
Variant type: single nucleotide variant.
Coding change: c.179T>C on transcript NM_013450.4 (MANE Select); coding-DNA position 179, T replaced by C.
Protein change: p.Phe60Ser; replaces phenylalanine 60 with serine.
Molecular consequence: missense variant. On other transcripts: intron variant (1).
Genome position (GRCh38, 1-based): chr2:159,453,768, A>G on the plus strand (T>C on the coding strand, the complement: BAZ2B is on the minus strand). VCF-style: chr2-159453768-A-G. GRCh37 (hg19) VCF-style: chr2-160310279-A-G.
Other names: c.179T>C, p.Phe60Ser (NM_001289975.1, NM_001329858.2); c.146-5359T>C (NM_001329857.2); short protein forms F60S.
Identifiers: ClinVar variation 3368128 (VCV003368128.1).